The following is an entry in ClinVar:

NM_000051.4(ATM):c.3827A>C (p.Gln1276Pro)

Gene: ATM (ATM serine/threonine kinase; plus strand). Cytogenetic location: 11q22.3.
Variant type: single nucleotide variant.
Coding change: c.3827A>C on transcript NM_000051.4 (MANE Select); coding-DNA position 3827, A replaced by C.
Protein change: p.Gln1276Pro; replaces glutamine 1276 with proline.
Molecular consequence: missense variant.
Genome position (GRCh38, 1-based): chr11:108,284,307, A>C. VCF-style: chr11-108284307-A-C. GRCh37 (hg19) VCF-style: chr11-108155034-A-C.
Other names: c.3827A>C, p.Gln1276Pro (NM_001351834.2); short protein forms Q1276P.
Identifiers: ClinVar variation 824264 (VCV000824264.14), dbSNP rs770183693, ClinGen allele CA6265357.

ClinVar aggregate classification (germline): Uncertain significance. Review status: criteria provided, multiple submitters, no conflicts (2 of 4 stars). 2 submissions from 2 submitters: Uncertain significance (2). Last evaluated 2025-03-05.

Conditions:
Hereditary cancer-predisposing syndrome. Also called: Neoplastic Syndromes, Hereditary; Hereditary Cancer Syndrome; Hereditary neoplastic syndrome; Tumor predisposition. Identifiers: Orphanet 140162, MedGen C0027672, MeSH D009386, MONDO:0015356.
Ataxia-telangiectasia syndrome (AT). Also called: ATAXIA-TELANGIECTASIA, COMPLEMENTATION GROUP A; ATAXIA-TELANGIECTASIA, FRESNO VARIANT; Ataxia-telangiectasia, complementation group E; Ataxia telangiectasia (A-T); LOUIS-BAR SYNDROME; Cerebello-oculocutaneous telangiectasia. Identifiers: Orphanet 100, MedGen C0004135, MONDO:0008840, OMIM 208900.

Allele frequency attached by ClinVar (database versions not stated): gnomAD exomes below 0.00001; ExAC 0.00001.
gnomAD v4.1: 1 of 1,613,960 alleles (0.000062%); highest among the groups gnomAD compares: Non-Finnish European, 0.000085%; no homozygotes.

Submissions (2):

Labcorp Genetics (formerly Invitae), Labcorp
Classification: Uncertain significance for Ataxia-telangiectasia syndrome. Last evaluated: 2025-03-05. Review status: criteria provided, single submitter. Criteria: Invitae Variant Classification Sherloc (09022015). Collection method: clinical testing. Allele origin: germline.
Comment: This sequence change replaces glutamine, which is neutral and polar, with proline, which is neutral and non-polar, at codon 1276 of the ATM protein (p.Gln1276Pro). This variant is present in population databases (rs770183693, gnomAD 0.0009%). This variant has not been reported in the literature in individuals affected with ATM-related conditions. ClinVar contains an entry for this variant (Variation ID: 824264). Invitae Evidence Modeling of protein sequence and biophysical properties (such as structural, functional, and spatial information, amino acid conservation, physicochemical variation, residue mobility, and thermodynamic stability) indicates that this missense variant is not expected to disrupt ATM protein function with a negative predictive value of 95%. In summary, the available evidence is currently insufficient to determine the role of this variant in disease. Therefore, it has been classified as a Variant of Uncertain Significance.

Ambry Genetics
Classification: Uncertain significance for Hereditary cancer-predisposing syndrome. Last evaluated: 2024-12-10. Review status: criteria provided, single submitter. Criteria: Ambry Variant Classification Scheme 2023. Collection method: clinical testing. Allele origin: germline.
Comment: The p.Q1276P variant (also known as c.3827A>C), located in coding exon 25 of the ATM gene, results from an A to C substitution at nucleotide position 3827. The glutamine at codon 1276 is replaced by proline, an amino acid with similar properties. This amino acid position is not well conserved in available vertebrate species. In addition, this alteration is predicted to be tolerated by in silico analysis. Since supporting evidence is limited at this time, the clinical significance of this alteration remains unclear.